The following is an entry in ClinVar:

NM_016203.4(PRKAG2):c.307A>T (p.Lys103Ter)

Gene: PRKAG2 (protein kinase AMP-activated non-catalytic subunit gamma 2; minus strand). Cytogenetic location: 7q36.1.
Variant type: single nucleotide variant.
Coding change: c.307A>T on transcript NM_016203.4 (MANE Select); coding-DNA position 307, A replaced by T.
Protein change: p.Lys103Ter; replaces lysine 103 with a stop codon.
Molecular consequence: nonsense. On other transcripts: intron variant (1).
Genome position (GRCh38, 1-based): chr7:151,781,311, T>A on the plus strand (A>T on the coding strand, the complement: PRKAG2 is on the minus strand). VCF-style: chr7-151781311-T-A. GRCh37 (hg19) VCF-style: chr7-151478397-T-A.
Other names: c.175A>T, p.Lys59Ter (NM_001040633.2, NM_001407024.1, NM_001407026.1 and 2 more transcripts); c.307A>T, p.Lys103Ter (NM_001407021.1, NM_001407022.1, NM_001407023.1 and 2 more transcripts); c.148+33105A>T (NM_001407032.1); short protein forms K103*, K59*.
Identifiers: ClinVar variation 3387541 (VCV003387541.1).

ClinVar aggregate classification (germline): Uncertain significance (1 of 4 stars; one submission).

Conditions:
Hypertrophic cardiomyopathy. Also called: HYPERTROPHIC MYOCARDIOPATHY. Identifiers: Orphanet 217569, MedGen C0007194, MeSH D002312, MONDO:0005045, HP:0001639.

Submission:

All of Us Research Program, National Institutes of Health
Classification: Uncertain significance for Hypertrophic cardiomyopathy. Last evaluated: 2024-08-01. Review status: criteria provided, single submitter. Criteria: ACMG Guidelines, 2015. Collection method: clinical testing. Allele origin: germline. Inheritance: Autosomal dominant inheritance. Observed: 1 variant allele, 1 heterozygote.
Comment: This study involves interpretation of variants in research participants for the purpose of population health screening. Participant phenotype was not available at the time of variant classification. Additional details can be found in publication PMID: 35346344, PMCID: PMC8962531